The following is an entry in ClinVar:

NM_001734.5(C1S):c.1193G>A (p.Gly398Asp)

Gene: C1S (complement C1s; plus strand). Cytogenetic location: 12p13.31.
Variant type: single nucleotide variant.
Coding change: c.1193G>A on transcript NM_001734.5 (MANE Select); coding-DNA position 1193, G replaced by A.
Protein change: p.Gly398Asp; replaces glycine 398 with aspartic acid.
Molecular consequence: missense variant.
Genome position (GRCh38, 1-based): chr12:7,067,769, G>A. VCF-style: chr12-7067769-G-A. GRCh37 (hg19) VCF-style: chr12-7175073-G-A.
Other names: c.692G>A, p.Gly231Asp (NM_001346850.2); c.1193G>A, p.Gly398Asp (NM_201442.4); short protein forms G231D, G398D.
Identifiers: ClinVar variation 5002577 (VCV005002577.1).
Genomic context (GRCh38, chr12:7,067,769, plus strand): 5'-TTGGTTCTGTCATCCGCTACACTTGTGAGGAGCCATATTACTACATGGAAAATGGAGGAG[G>A]TGGTAGGTTTCTTCTACTGGAGAAGAGAGAGAGAGAGTGAGAAGGTGTTGGAGGGTGGAT-3'
Protein context (NP_001725.1, residues 388-408): EPYYYMENGG[Gly398Asp]GEYHCAGNGS

ClinVar aggregate classification (germline): Uncertain significance (1 of 4 stars; one submission).

Conditions:
C1S-related disorder. Also called: C1S-related condition.

Submission:

PreventionGenetics, part of Exact Sciences
Classification: Uncertain significance for C1S-related condition. Last evaluated: 2025-07-09. Review status: criteria provided, single submitter. Criteria: ACMG Guidelines, 2015. Collection method: clinical testing. Allele origin: germline.
Comment: The C1S c.1193G>A variant is predicted to result in the amino acid substitution p.Gly398Asp. To our knowledge, this variant has not been reported in the literature or in a large population database (gnomAD), indicating this variant is rare. At this time, the clinical significance of this variant is uncertain due to the absence of conclusive functional and genetic evidence.